The following is an entry in ClinVar:

NM_006514.4(SCN10A):c.2763_2764delinsTG (p.His922Asp)

Gene: SCN10A (sodium voltage-gated channel alpha subunit 10; minus strand). Cytogenetic location: 3p22.2.
Variant type: Indel.
Coding change: c.2763_2764delinsTG on transcript NM_006514.4 (MANE Select); coding-DNA positions 2763 to 2764, CC replaced by TG.
Protein change: p.His922Asp; replaces histidine 922 with aspartic acid.
Molecular consequence: missense variant.
Genome position (GRCh38, 1-based): chr3:38,726,929-38,726,930, GG replaced by CA on the plus strand (CC replaced by TG on the coding strand, the reverse complement: SCN10A is on the minus strand). VCF-style: chr3-38726929-GG-CA. GRCh37 (hg19) VCF-style: chr3-38768420-GG-CA.
Other names: c.2763_2764delinsTG, p.His922Asp (NM_001293306.2); c.2469_2470delinsTG, p.His824Asp (NM_001293307.2); short protein forms H824D, H922D.
Identifiers: ClinVar variation 1016868 (VCV001016868.3), dbSNP rs2063463158, ClinGen allele CA1358641366.

ClinVar aggregate classification (germline): Uncertain significance (1 of 4 stars; one submission).

Conditions:
Brugada syndrome. Also called: Sudden unexplained nocturnal death syndrome; Sudden unexpected nocturnal death syndrome; Sudden Unexplained Death Syndrome; Sudden Unexplained Nocturnal Death Syndrome (SUNDS). Identifiers: Orphanet 130, MedGen C1142166, MONDO:0015263.

Submission:

Labcorp Genetics (formerly Invitae), Labcorp
Classification: Uncertain significance for Brugada syndrome. Last evaluated: 2020-12-23. Review status: criteria provided, single submitter. Criteria: Invitae Variant Classification Sherloc (09022015). Collection method: clinical testing. Allele origin: germline.
Comment: In summary, the available evidence is currently insufficient to determine the role of this variant in disease. Therefore, it has been classified as a Variant of Uncertain Significance. Experimental studies and prediction algorithms are not available or were not evaluated, and the functional significance of this variant is currently unknown. This variant has not been reported in the literature in individuals with SCN10A-related conditions. The frequency data for this variant in the population databases is not available, as this variant may be reported as separate entries in the ExAC database. This sequence change replaces histidine with aspartic acid at codon 922 of the SCN10A protein (p.His922Asp). The histidine residue is weakly conserved and there is a moderate physicochemical difference between histidine and aspartic acid.